The following is an entry in ClinVar:

ClinVar aggregate classification (germline): Uncertain significance (1 of 4 stars; one submission).

Conditions:
Anauxetic dysplasia. Identifiers: Orphanet 93347, MedGen C1846796, MONDO:0011773.

Allele frequency attached by ClinVar (database versions not stated): gnomAD 0.00001; ExAC 0.00010; 1000 Genomes Project 0.00040; 1000 Genomes Project 30x 0.00047.
gnomAD v4.1: 6 of 697,500 alleles (0.00086%); highest among the groups gnomAD compares: East Asian, 0.0081%; no homozygotes.

Submission:

Labcorp Genetics (formerly Invitae), Labcorp
Classification: Uncertain significance for Anauxetic dysplasia. Last evaluated: 2022-09-27. Review status: criteria provided, single submitter. Criteria: Invitae Variant Classification Sherloc (09022015). Collection method: clinical testing. Allele origin: germline.
Comment: This variant occurs in the RMRP gene, which encodes an RNA molecule that does not result in a protein product. This variant is present in population databases (rs184259540, gnomAD 0.009%). This variant has not been reported in the literature in individuals affected with RMRP-related conditions. Experimental studies and prediction algorithms are not available or were not evaluated, and the functional significance of this variant is currently unknown. In summary, the available evidence is currently insufficient to determine the role of this variant in disease. Therefore, it has been classified as a Variant of Uncertain Significance.

NC_000009.12:g.35657996G>A

Gene: RMRP (RNA component of mitochondrial RNA processing endoribonuclease; minus strand). Cytogenetic location: 9p13.3.
Variant type: single nucleotide variant.
Genome position: GRCh38 VCF-style: chr9-35657996-G-A. GRCh37 (hg19) VCF-style: chr9-35657993-G-A.
Identifiers: ClinVar variation 2081694 (VCV002081694.1), dbSNP rs184259540, ClinGen allele CA5045864.